The following is an entry in ClinVar:

NM_000103.4(CYP19A1):c.1028_1031del (p.Arg343fs)

Genes: CYP19A1 (cytochrome P450 family 19 subfamily A member 1; minus strand), MIR4713HG (MIR4713 host gene; plus strand), PIRC66 (piwi-interacting RNA cluster 66; plus strand). Cytogenetic location: 15q21.2.
Variant type: Microsatellite.
Coding change: c.1028_1031del on transcript NM_000103.4 (MANE Select); coding-DNA positions 1028 to 1031, 4 bases deleted (GAGA; older notation c.1028_1031delGAGA).
Protein change: p.Arg343fs; shifts the reading frame from arginine 343.
Molecular consequence: frameshift variant.
Genome position (GRCh38, 1-based): chr15:51,212,552-51,212,555, TCTC deleted on the plus strand (GAGA on the coding strand, the reverse complement: CYP19A1 is on the minus strand); deleting any 4 consecutive bases within chr15:51,212,552-51,212,559 gives the same sequence; the c. name uses the placement nearest the transcript's 3' end. VCF-style (leftmost placement, unchanged base first): chr15-51212551-GTCTC-G. GRCh37 (hg19) VCF-style: chr15-51504748-GTCTC-G.
Other names: c.1028_1031del, p.Arg343fs (NM_001347254.2, NM_001347255.2, NM_001347256.2 and 7 more transcripts); short protein forms R343fs.
Identifiers: ClinVar variation 2100917 (VCV002100917.4), dbSNP rs2542394488, ClinGen allele CA2580613832.
Genomic context (GRCh38, chr15:51,212,551, plus strand): 5'-CATGCTCTCATAAATGAAGTTTTCCATCACTTTTAATTTTTGTATATCATCAATCTTTAT[GTCTC>G]TCTCACCTGTGGAAACAGATAAAAGGAACAAAGAAGGTAATGTTAGTTTCCATCTGTGAT-3'

ClinVar aggregate classification (germline): Pathogenic (1 of 4 stars; one submission).

Submission:

Labcorp Genetics (formerly Invitae), Labcorp
Classification: Pathogenic. Last evaluated: 2022-02-22. Review status: criteria provided, single submitter. Criteria: Invitae Variant Classification Sherloc (09022015). Collection method: clinical testing. Allele origin: germline.
Comment: For these reasons, this variant has been classified as Pathogenic. This variant has not been reported in the literature in individuals affected with CYP19A1-related conditions. This variant is not present in population databases (gnomAD no frequency). This sequence change creates a premature translational stop signal (p.Arg343Thrfs*2) in the CYP19A1 gene. It is expected to result in an absent or disrupted protein product. Loss-of-function variants in CYP19A1 are known to be pathogenic (PMID: 14602738, 27086564, 27256151).

Literature cited by the submitters: PubMed 14602738; PubMed 27086564; PubMed 27256151.